The following is an entry in ClinVar:

ClinVar aggregate classification (germline): Likely pathogenic (1 of 4 stars; one submission).

Conditions:
Autosomal recessive polycystic kidney disease (ARPKD). Also called: AR polycystic kidney disease. Identifiers: Orphanet 731, Orphanet 8378, MedGen C0085548, MeSH D017044, MONDO:0009889.

Submission:

Natera, Inc.
Classification: Likely pathogenic for Autosomal recessive polycystic kidney disease. Last evaluated: 2024-03-20. Review status: criteria provided, single submitter. Criteria: Natera Variant Classification Schema (03/2026). Collection method: clinical testing. Allele origin: germline.
Comment: The c.5873dupC variant in PKHD1 is a frameshift variant predicted to shift the reading frame and introduce a stop codon. This variant is expected to result in nonsense mediated decay, truncation, or a dysfunctional protein product. This variant is rare in the general population with a frequency below the threshold expected for the associated phenotype(s). Given the available evidence, this variant is classified as Likely Pathogenic.

NM_138694.4(PKHD1):c.5873dup (p.Thr1958_Asn1959insTer)

Gene: PKHD1 (PKHD1 ciliary IPT domain containing fibrocystin/polyductin; minus strand). Cytogenetic location: 6p12.2.
Variant type: Duplication.
Coding change: c.5873dup on transcript NM_138694.4 (MANE Select); coding-DNA position 5873, one base duplicated (C; older notation c.5873dupC).
Protein change: p.Thr1958_Asn1959insTer.
Molecular consequence: frameshift variant.
Genome position (GRCh38, 1-based): chr6:51,959,905, G duplicated on the plus strand (C on the coding strand, the reverse complement: PKHD1 is on the minus strand). VCF-style (leftmost placement, unchanged base first): chr6-51959904-A-AG. GRCh37 (hg19) VCF-style: chr6-51824702-A-AG.
Other names: c.5873dup, p.Thr1958_Asn1959insTer (NM_170724.3).
Identifiers: ClinVar variation 4816704 (VCV004816704.1).